The following is an entry in ClinVar:

ClinVar aggregate classification (germline): Uncertain significance. Review status: criteria provided, multiple submitters, no conflicts (2 of 4 stars). 2 submissions from 2 submitters: Uncertain significance (2). Last evaluated 2025-06-25.

Conditions:
Hereditary cancer-predisposing syndrome. Also called: Hereditary neoplastic syndrome; Neoplastic Syndromes, Hereditary; Tumor predisposition; Hereditary Cancer Syndrome. Identifiers: Orphanet 140162, MedGen C0027672, MeSH D009386, MONDO:0015356.
Rhabdoid tumor predisposition syndrome 2 (RTPS2). Identifiers: Orphanet 231108, Orphanet 69077, MedGen C2750074, MONDO:0013224, OMIM 613325.

Submissions (2):

Ambry Genetics
Classification: Uncertain significance for Hereditary cancer-predisposing syndrome. Last evaluated: 2025-06-25. Review status: criteria provided, single submitter. Criteria: Ambry Variant Classification Scheme 2023. Collection method: clinical testing. Allele origin: germline.
Comment: The p.E1431D variant (also known as c.4293G>T), located in coding exon 30 of the SMARCA4 gene, results from a G to T substitution at nucleotide position 4293. The glutamic acid at codon 1431 is replaced by aspartic acid, an amino acid with highly similar properties. This amino acid position is conserved. In addition, this alteration is predicted to be tolerated by in silico analysis. Based on the available evidence, the clinical significance of this variant remains unclear.

Labcorp Genetics (formerly Invitae), Labcorp
Classification: Uncertain significance for Rhabdoid tumor predisposition syndrome 2. Last evaluated: 2023-04-06. Review status: criteria provided, single submitter. Criteria: Invitae Variant Classification Sherloc (09022015). Collection method: clinical testing. Allele origin: germline.
Comment: This sequence change replaces glutamic acid, which is acidic and polar, with aspartic acid, which is acidic and polar, at codon 1431 of the SMARCA4 protein (p.Glu1431Asp). This variant is not present in population databases (gnomAD no frequency). This variant has not been reported in the literature in individuals affected with SMARCA4-related conditions. ClinVar contains an entry for this variant (Variation ID: 939176). Advanced modeling of protein sequence and biophysical properties (such as structural, functional, and spatial information, amino acid conservation, physicochemical variation, residue mobility, and thermodynamic stability) has been performed at Invitae for this missense variant, however the output from this modeling did not meet the statistical confidence thresholds required to predict the impact of this variant on SMARCA4 protein function. In summary, the available evidence is currently insufficient to determine the role of this variant in disease. Therefore, it has been classified as a Variant of Uncertain Significance.

NM_003072.5(SMARCA4):c.4197G>T (p.Glu1399Asp)

Gene: SMARCA4 (SWI/SNF related BAF chromatin remodeling complex subunit ATPase 4; plus strand). Cytogenetic location: 19p13.2.
Variant type: single nucleotide variant.
Coding change: c.4197G>T on transcript NM_003072.5 (MANE Select); coding-DNA position 4197, G replaced by T.
Protein change: p.Glu1399Asp; replaces glutamic acid 1399 with aspartic acid.
Molecular consequence: missense variant. On other transcripts: non-coding transcript variant (1).
Genome position (GRCh38, 1-based): chr19:11,041,333, G>T. VCF-style: chr19-11041333-G-T. GRCh37 (hg19) VCF-style: chr19-11152009-G-T.
Other names: c.4197G>T, p.Glu1399Asp (NM_001128844.3); c.4107G>T, p.Glu1369Asp (NM_001128845.2, NM_001128846.2); c.4098G>T, p.Glu1366Asp (NM_001128847.4, NM_001128848.2, NM_001374457.1); c.4293G>T, p.Glu1431Asp (NM_001128849.3); short protein forms E1366D, E1399D, E1369D, E1431D.
Identifiers: ClinVar variation 939176 (VCV000939176.10), dbSNP rs2075597503, ClinGen allele CA404072806.